The following is an entry in ClinVar:

NM_012431.3(SEMA3E):c.570A>T (p.Gly190=)

Gene: SEMA3E (semaphorin 3E; minus strand). Cytogenetic location: 7q21.11.
Variant type: single nucleotide variant.
Coding change: c.570A>T on transcript NM_012431.3 (MANE Select); coding-DNA position 570, A replaced by T.
Protein change: p.Gly190=; no amino-acid change (glycine 190 retained).
Molecular consequence: synonymous variant.
Genome position (GRCh38, 1-based): chr7:83,408,468, T>A on the plus strand (A>T on the coding strand, the complement: SEMA3E is on the minus strand). VCF-style: chr7-83408468-T-A. GRCh37 (hg19) VCF-style: chr7-83037784-T-A.
Other names: c.390A>T, p.Gly130= (NM_001178129.2); c.570A>T (NM_012431.2).
Identifiers: ClinVar variation 1151634 (VCV001151634.12), dbSNP rs1788369340, ClinGen allele CA456137178.

ClinVar aggregate classification (germline): Likely benign. Review status: criteria provided, multiple submitters, no conflicts (2 of 4 stars). 3 submissions from 3 submitters: Likely benign (2). 1 of the submissions does not count toward it. Last evaluated 2025-06-08.

Conditions:
CHARGE syndrome (CHARGE). Also called: Hittner Hirsch Kreh syndrome; CHARGE ASSOCIATION--COLOBOMA, HEART ANOMALY, CHOANAL ATRESIA, RETARDATION, GENITAL AND EAR ANOMALIES; Coloboma, heart anomaly, choanal atresia, retardation, genital and ear anomalies; CHARGE association; Hall-Hittner syndrome. Identifiers: Orphanet 138, MedGen C0265354, MONDO:0008965.
SEMA3E-related disorder. Also called: SEMA3E-related condition.

Allele frequency attached by ClinVar (database versions not stated): gnomAD exomes below 0.00001; TOPMed 0.00001.
gnomAD v4.1: 1 of 1,613,652 alleles (0.000062%); highest among the groups gnomAD compares: Admixed American, 0.0017%; no homozygotes.

Submissions (3):

Labcorp Genetics (formerly Invitae), Labcorp
Classification: Likely benign for CHARGE syndrome. Last evaluated: 2025-06-08. Review status: criteria provided, single submitter. Criteria: Invitae Variant Classification Sherloc (09022015). Collection method: clinical testing. Allele origin: germline.

Blueprint Genetics
Classification: Likely benign. Last evaluated: 2022-09-07. Review status: criteria provided, single submitter. Criteria: ACMG Guidelines, 2015. Collection method: clinical testing. Allele origin: germline.

PreventionGenetics, part of Exact Sciences
Classification: Uncertain significance for SEMA3E-related condition. Last evaluated: 2023-10-24. Review status: no assertion criteria provided. Collection method: clinical testing. Allele origin: germline. Not counted in ClinVar's aggregate classification.
Comment: The SEMA3E c.570A>T variant is not predicted to result in an amino acid change (p.=). This variant is predicted to modestly activate a cryptic spice acceptor, which may result in aberrant splicing (SpliceAI, Jaganathan K, et al. 2019. PubMed ID: 30661751). To our knowledge, this variant has not been reported in the literature or in a large population database, indicating it is rare. Although we suspect that this variant may be benign, at this time, the clinical significance of this variant is uncertain due to the absence of conclusive functional and genetic evidence.